The following is an entry in ClinVar:

NM_019109.5(ALG1):c.919C>G (p.Leu307Val)

Gene: ALG1 (ALG1 chitobiosyldiphosphodolichol beta-mannosyltransferase; plus strand). Cytogenetic location: 16p13.3.
Variant type: single nucleotide variant.
Coding change: c.919C>G on transcript NM_019109.5 (MANE Select); coding-DNA position 919, C replaced by G.
Protein change: p.Leu307Val; replaces leucine 307 with valine.
Molecular consequence: missense variant.
Genome position (GRCh38, 1-based): chr16:5,079,765, C>G. VCF-style: chr16-5079765-C-G. GRCh37 (hg19) VCF-style: chr16-5129766-C-G.
Other names: c.586C>G, p.Leu196Val (NM_001330504.2); c.919C>G (NM_019109.4); short protein forms L307V, L196V.
Identifiers: ClinVar variation 1511384 (VCV001511384.7), dbSNP rs368735974, ClinGen allele CA7890109.
Genomic context (GRCh38, chr16:5,079,765, plus strand): 5'-TATCAGAAATTCCATGTAGAATTGTTTCTTTTTCTAAACACAGAGTTTGAACAACTGACT[C>G]TTGATGGACACAACCTTCCTTCTCTCGTCTGTGTGATAACAGGTACTGCCTGGGACCCTG-3'
Protein context (NP_061982.3, residues 297-317): AALEKFEQLT[Leu307Val]DGHNLPSLVC

ClinVar aggregate classification (germline): Uncertain significance. Review status: criteria provided, multiple submitters, no conflicts (2 of 4 stars). 3 submissions from 3 submitters: Uncertain significance (3). Last evaluated 2026-03-23.

Conditions:
ALG1-congenital disorder of glycosylation. Also called: CONGENITAL DISORDER OF GLYCOSYLATION, TYPE Ik; CDG Ik; ALG1-CDG. Identifiers: Orphanet 79327, MedGen C2931005, MONDO:0012052, OMIM 608540.

Allele frequency attached by ClinVar (database versions not stated): gnomAD 0.00004 and 0.00003; gnomAD exomes 0.00004; ExAC 0.00007; TOPMed 0.00008; ESP Exome Variant Server 0.00015.
gnomAD v4.1: 17 of 1,611,626 alleles (0.0011%); highest among the groups gnomAD compares: African/African-American, 0.017%; no homozygotes.

Submissions (3):

GeneDx
Classification: Uncertain significance. Last evaluated: 2026-03-23. Review status: criteria provided, single submitter. Criteria: GeneDx Variant Classification Process June 2021. Collection method: clinical testing. Allele origin: germline.
Comment: In silico analysis suggests that this missense variant does not alter protein structure/function; Has not been previously published as pathogenic or benign to our knowledge

Fulgent Genetics
Classification: Uncertain significance for ALG1-congenital disorder of glycosylation. Last evaluated: 2024-01-14. Review status: criteria provided, single submitter. Criteria: ACMG Guidelines, 2015. Collection method: clinical testing. Allele origin: germline.

Labcorp Genetics (formerly Invitae), Labcorp
Classification: Uncertain significance for ALG1-congenital disorder of glycosylation. Last evaluated: 2022-08-22. Review status: criteria provided, single submitter. Criteria: Invitae Variant Classification Sherloc (09022015). Collection method: clinical testing. Allele origin: germline.
Comment: This sequence change replaces leucine, which is neutral and non-polar, with valine, which is neutral and non-polar, at codon 307 of the ALG1 protein (p.Leu307Val). This variant is present in population databases (rs368735974, gnomAD 0.03%). This variant has not been reported in the literature in individuals affected with ALG1-related conditions. ClinVar contains an entry for this variant (Variation ID: 1511384). Advanced modeling of protein sequence and biophysical properties (such as structural, functional, and spatial information, amino acid conservation, physicochemical variation, residue mobility, and thermodynamic stability) performed at Invitae indicates that this missense variant is not expected to disrupt ALG1 protein function. In summary, the available evidence is currently insufficient to determine the role of this variant in disease. Therefore, it has been classified as a Variant of Uncertain Significance.